The following is an entry in ClinVar:

NM_002693.3(POLG):c.1713-5C>T

Gene: POLG (DNA polymerase gamma, catalytic subunit; minus strand). Cytogenetic location: 15q26.1.
Variant type: single nucleotide variant.
Coding change: c.1713-5C>T on transcript NM_002693.3 (MANE Select); 5 bases into the intron before coding-DNA position 1713, C replaced by T.
Molecular consequence: intron variant.
Genome position (GRCh38, 1-based): chr15:89,325,691, G>A on the plus strand (C>T on the coding strand, the complement: POLG is on the minus strand). VCF-style: chr15-89325691-G-A. GRCh37 (hg19) VCF-style: chr15-89868922-G-A.
Other names: c.1713-5C>T (NM_001126131.2).
Identifiers: ClinVar variation 138778 (VCV000138778.13), dbSNP rs148494026, ClinGen allele CA292879.

ClinVar aggregate classification (germline): Conflicting classifications of pathogenicity. Review status: criteria provided, conflicting classifications (1 of 4 stars). 5 submissions from 5 submitters: Uncertain significance (1); Benign (1); Likely benign (2). 1 of the submissions does not count toward it. Last evaluated 2026-01-18.

Conditions:
POLG-related disorder. Also called: POLG-Related Spectrum Disorders; POLG-related condition; POLG-Related Disorders. Identifiers: MedGen C4763519.
Progressive sclerosing poliodystrophy (MTDPS4A). Also called: ALPERS DIFFUSE DEGENERATION OF CEREBRAL GRAY MATTER WITH HEPATIC CIRRHOSIS; Alpers-Huttenlocher Syndrome; Alpers Syndrome; Mitochondrial DNA depletion syndrome 4A (Alpers type); NEURONAL DEGENERATION OF CHILDHOOD WITH LIVER DISEASE, PROGRESSIVE; Mitochondrial DNA Depletion Syndrome 4A. Identifiers: Orphanet 726, MedGen C0205710, MONDO:0008758, OMIM 203700.

Allele frequency attached by ClinVar (database versions not stated): gnomAD 0.00004; 1000 Genomes Project 0.00020; TOPMed 0.00003; 1000 Genomes Project 30x 0.00016; ExAC 0.00003.
gnomAD v4.1: 57 of 1,596,002 alleles (0.0036%); highest among the groups gnomAD compares: South Asian, 0.014%; no homozygotes.

Submissions (5):

Labcorp Genetics (formerly Invitae), Labcorp
Classification: Likely benign for Progressive sclerosing poliodystrophy. Last evaluated: 2026-01-18. Review status: criteria provided, single submitter. Criteria: Invitae Variant Classification Sherloc (09022015). Collection method: clinical testing. Allele origin: germline.

Women's Health and Genetics/Laboratory Corporation of America, LabCorp
Classification: Uncertain significance. Last evaluated: 2025-02-21. Review status: criteria provided, single submitter. Criteria: LabCorp Variant Classification Summary - May 2015. Collection method: clinical testing. Allele origin: germline.
Comment: Variant summary: POLG c.1713-5C>T alters a non-conserved nucleotide located close to a canonical splice site and therefore could affect mRNA splicing, leading to a significantly altered protein sequence. Consensus agreement among computation tools predict no significant impact on normal splicing. However, these predictions have yet to be confirmed by functional studies. The variant allele was found at a frequency of 3.6e-05 in 1596002 control chromosomes (gnomAD). This frequency is not significantly higher than estimated for a pathogenic variant in POLG causing POLG-Related Spectrum Disorders, allowing no conclusion about variant significance. To our knowledge, no occurrence of c.1713-5C>T in individuals affected with POLG-Related Spectrum Disorders and no experimental evidence demonstrating its impact on protein function have been reported. ClinVar contains an entry for this variant (Variation ID: 138778). Based on the evidence outlined above, the variant was classified as uncertain significance.

Wong Mito Lab, Molecular and Human Genetics, Baylor College of Medicine
Classification: Likely benign for Progressive sclerosing poliodystrophy. Last evaluated: 2018-10-01. Review status: criteria provided, single submitter. Criteria: ACMG Guidelines, 2015. Collection method: clinical testing. Allele origin: germline.
Comment: The NM_002693.2:c.1713-5C>T (NP_002684.1:p.=) [GRCH38: NC_000015.10:g.89325691G>A] variant in POLG gene is interpretated to be a Likely Benign based on ACMG guidelines (PMID: 25741868). This variant meets the following evidence codes reported in the ACMG-guideline. BP4:Computational evidence/predictors indicate no impact on the POLG structure, function, or protein-protein interaction. BP6:Reputable source(s) without shared data suggest the variant is benign. Based on the evidence criteria codes applied, the variant is suggested to be Likely Benign.

GeneDx
Classification: Benign. Last evaluated: 2013-07-03. Review status: criteria provided, single submitter. Criteria: GeneDx Variant Classification (06012015). Collection method: clinical testing. Allele origin: germline. Affected: yes.
Comment: This variant is considered likely benign or benign based on one or more of the following criteria: it is a conservative change, it occurs at a poorly conserved position in the protein, it is predicted to be benign by multiple in silico algorithms, and/or has population frequency not consistent with disease.

PreventionGenetics, part of Exact Sciences
Classification: Likely benign for POLG-related condition. Last evaluated: 2023-04-17. Review status: no assertion criteria provided. Collection method: clinical testing. Allele origin: germline. Not counted in ClinVar's aggregate classification.
Comment: This variant is classified as likely benign based on ACMG/AMP sequence variant interpretation guidelines (Richards et al. 2015 PMID: 25741868, with internal and published modifications).